The following is an entry in ClinVar:

NM_005120.3(MED12):c.919C>G (p.Leu307Val)

Gene: MED12 (mediator complex subunit 12; plus strand). Cytogenetic location: Xq13.1.
Variant type: single nucleotide variant.
Coding change: c.919C>G on transcript NM_005120.3 (MANE Select); coding-DNA position 919, C replaced by G.
Protein change: p.Leu307Val; replaces leucine 307 with valine.
Molecular consequence: missense variant.
Genome position (GRCh38, 1-based): chrX:71,121,634, C>G. VCF-style: chrX-71121634-C-G. GRCh37 (hg19) VCF-style: chrX-70341484-C-G.
Other names: short protein forms L307V.
Identifiers: ClinVar variation 2981092 (VCV002981092.3), dbSNP rs2519668097, ClinGen allele CA413504611.

ClinVar aggregate classification (germline): Uncertain significance (1 of 4 stars; one submission).

Conditions:
FG syndrome (FGS). Identifiers: MedGen C0220769, MONDO:0002010.

Submission:

Labcorp Genetics (formerly Invitae), Labcorp
Classification: Uncertain significance for FG syndrome. Last evaluated: 2024-09-09. Review status: criteria provided, single submitter. Criteria: Invitae Variant Classification Sherloc (09022015). Collection method: clinical testing. Allele origin: germline.
Comment: This sequence change replaces leucine, which is neutral and non-polar, with valine, which is neutral and non-polar, at codon 307 of the MED12 protein (p.Leu307Val). This variant is not present in population databases (gnomAD no frequency). This variant has not been reported in the literature in individuals affected with MED12-related conditions. Invitae Evidence Modeling of protein sequence and biophysical properties (such as structural, functional, and spatial information, amino acid conservation, physicochemical variation, residue mobility, and thermodynamic stability) indicates that this missense variant is not expected to disrupt MED12 protein function with a negative predictive value of 95%. In summary, the available evidence is currently insufficient to determine the role of this variant in disease. Therefore, it has been classified as a Variant of Uncertain Significance.